The following is an entry in ClinVar:

NM_000185.4(SERPIND1):c.999C>T (p.Leu333=)

Genes: PI4KA (phosphatidylinositol 4-kinase alpha; minus strand), SERPIND1 (serpin family D member 1; plus strand). Cytogenetic location: 22q11.21.
Variant type: single nucleotide variant.
Coding change: c.999C>T on transcript NM_000185.4 (MANE Select); coding-DNA position 999, C replaced by T.
Protein change: p.Leu333=; no amino-acid change (leucine 333 retained).
Molecular consequence: synonymous variant. On other transcripts: intron variant (3).
Genome position (GRCh38, 1-based): chr22:20,784,081, C>T. VCF-style: chr22-20784081-C-T. GRCh37 (hg19) VCF-style: chr22-21138369-C-T.
Other names: c.2262+9112G>A (NM_001362863.2); c.2328+9112G>A (NM_001362862.2, NM_058004.4).
Identifiers: ClinVar variation 3043506 (VCV003043506.6), dbSNP rs1008257, ClinGen allele CA10116013.

ClinVar aggregate classification (germline): Likely benign. Review status: criteria provided, single submitter (1 of 4 stars). 2 submissions from 2 submitters: Likely benign (1). 1 of the submissions does not count toward it. Last evaluated 2026-01-01.

Conditions:
SERPIND1-related disorder. Also called: SERPIND1-related condition.

Allele frequency attached by ClinVar (database versions not stated): 1000 Genomes Project 0.00100; gnomAD 0.00124; ESP Exome Variant Server 0.00131; 1000 Genomes Project 30x 0.00141.
gnomAD v4.1: 367 of 1,614,158 alleles (0.023%); highest among the groups gnomAD compares: African/African-American, 0.43%; no homozygotes.

Submissions (2):

CeGaT Center for Human Genetics Tuebingen
Classification: Likely benign. Last evaluated: 2026-01-01. Review status: criteria provided, single submitter. Criteria: CeGaT Center For Human Genetics Tuebingen Variant Classification Criteria Version 2. Collection method: clinical testing. Allele origin: germline. Affected: yes. Observed: 1 variant allele.
Comment: SERPIND1: BP4, BP7

PreventionGenetics, part of Exact Sciences
Classification: Likely benign for SERPIND1-related condition. Last evaluated: 2023-12-06. Review status: no assertion criteria provided. Collection method: clinical testing. Allele origin: germline. Not counted in ClinVar's aggregate classification.
Comment: This variant is classified as likely benign based on ACMG/AMP sequence variant interpretation guidelines (Richards et al. 2015 PMID: 25741868, with internal and published modifications).